The following is an entry in ClinVar:

ClinVar aggregate classification (germline): Uncertain significance (1 of 4 stars; one submission).

Submission:

GeneDx
Classification: Uncertain significance. Last evaluated: 2024-06-02. Review status: criteria provided, single submitter. Criteria: GeneDx Variant Classification Process June 2021. Collection method: clinical testing. Allele origin: germline. Affected: yes.
Comment: Not observed at significant frequency in large population cohorts (gnomAD); In silico analysis indicates that this missense variant does not alter protein structure/function; Has not been previously published as pathogenic or benign to our knowledge

NM_021098.3(CACNA1H):c.6348G>T (p.Glu2116Asp)

Gene: CACNA1H (calcium voltage-gated channel subunit alpha1 H; plus strand). Cytogenetic location: 16p13.3.
Variant type: single nucleotide variant.
Coding change: c.6348G>T on transcript NM_021098.3 (MANE Select); coding-DNA position 6348, G replaced by T.
Protein change: p.Glu2116Asp; replaces glutamic acid 2116 with aspartic acid.
Molecular consequence: missense variant.
Genome position (GRCh38, 1-based): chr16:1,220,280, G>T. VCF-style: chr16-1220280-G-T. GRCh37 (hg19) VCF-style: chr16-1270280-G-T.
Other names: c.6330G>T, p.Glu2110Asp (NM_001005407.2); short protein forms E2110D, E2116D.
Identifiers: ClinVar variation 3384548 (VCV003384548.1).